The following is an entry in ClinVar:

NM_015338.6(ASXL1):c.3964C>G (p.Pro1322Ala)

Gene: ASXL1 (ASXL transcriptional regulator 1; plus strand). Cytogenetic location: 20q11.21.
Variant type: single nucleotide variant.
Coding change: c.3964C>G on transcript NM_015338.6 (MANE Select); coding-DNA position 3964, C replaced by G.
Protein change: p.Pro1322Ala; replaces proline 1322 with alanine.
Molecular consequence: missense variant.
Genome position (GRCh38, 1-based): chr20:32,436,676, C>G. VCF-style: chr20-32436676-C-G. GRCh37 (hg19) VCF-style: chr20-31024479-C-G.
Other names: c.3781C>G, p.Pro1261Ala (NM_001363734.1); short protein forms P1322A, P1261A.
Identifiers: ClinVar variation 4588516 (VCV004588516.1).
Genomic context (GRCh38, chr20:32,436,676, plus strand): 5'-AAGAAGCTTTTTGGCTCTGGGAATGTGGCTGCAACCCTTCAGCGCCCCAGGCCTGCGGAC[C>G]CGATGCCTCTTCCTGCTGAGATCCCTCCAGTTTTTCCCAGTGGGAAGTTGGGACCAAGCA-3'
Protein context (NP_056153.2, residues 1312-1332): ATLQRPRPAD[Pro1322Ala]MPLPAEIPPV

ClinVar aggregate classification (germline): Uncertain significance (1 of 4 stars; one submission).

Conditions:
Inborn genetic diseases. Identifiers: MedGen C0950123, MeSH D030342.

gnomAD v4.1: 1 of 1,613,892 alleles (0.000062%); highest among the groups gnomAD compares: Non-Finnish European, 0.000085%; no homozygotes.

Submission:

Ambry Genetics
Classification: Uncertain significance for Inborn genetic diseases. Last evaluated: 2025-11-10. Review status: criteria provided, single submitter. Criteria: Ambry Variant Classification Scheme 2023. Collection method: clinical testing. Allele origin: germline.
Comment: The p.P1322A variant (also known as c.3964C>G), located in coding exon 13 of the ASXL1 gene, results from a C to G substitution at nucleotide position 3964. The proline at codon 1322 is replaced by alanine, an amino acid with highly similar properties. This amino acid position is conserved. In addition, this alteration is predicted to be tolerated by in silico analysis. Based on the available evidence, the clinical significance of this variant remains unclear.